The following is an entry in ClinVar:

NM_032531.4(KIRREL3):c.165G>C (p.Gln55His)

Gene: KIRREL3 (kirre like nephrin family adhesion molecule 3; minus strand). Cytogenetic location: 11q24.2.
Variant type: single nucleotide variant.
Coding change: c.165G>C on transcript NM_032531.4 (MANE Select); coding-DNA position 165, G replaced by C.
Protein change: p.Gln55His; replaces glutamine 55 with histidine.
Molecular consequence: missense variant. On other transcripts: intron variant (1).
Genome position (GRCh38, 1-based): chr11:126,526,656, C>G on the plus strand (G>C on the coding strand, the complement: KIRREL3 is on the minus strand). VCF-style: chr11-126526656-C-G. GRCh37 (hg19) VCF-style: chr11-126396551-C-G.
Other names: c.165G>C, p.Gln55His (NM_001161707.2, NM_001301097.2, NM_001441251.1 and 8 more transcripts); c.273G>C, p.Gln91His (NM_001441252.1); c.123G>C, p.Gln41His (NM_001441255.1, NM_001441259.1, NM_001441260.1); c.134-5192G>C (NM_001441262.1); short protein forms Q41H, Q55H, Q91H.
Identifiers: ClinVar variation 4891352 (VCV004891352.1).

ClinVar aggregate classification (germline): Uncertain significance (1 of 4 stars; one submission).

Submission:

GeneDx
Classification: Uncertain significance. Last evaluated: 2023-04-10. Review status: criteria provided, single submitter. Criteria: GeneDx Variant Classification Process June 2021. Collection method: clinical testing. Allele origin: germline.
Comment: Not observed at significant frequency in large population cohorts (gnomAD); In silico analysis supports that this missense variant does not alter protein structure/function; Has not been previously published as pathogenic or benign to our knowledge; Variants in candidate genes are classified as variants of uncertain significance in accordance with ACMG guidelines (Richards et al., 2015)